The following is an entry in ClinVar:

NM_003072.5(SMARCA4):c.1681del (p.Val561fs)

Gene: SMARCA4 (SWI/SNF related BAF chromatin remodeling complex subunit ATPase 4; plus strand). Cytogenetic location: 19p13.2.
Variant type: Deletion.
Coding change: c.1681del on transcript NM_003072.5 (MANE Select); coding-DNA position 1681, one base deleted (G; older notation c.1681delG).
Protein change: p.Val561fs; shifts the reading frame from valine 561.
Molecular consequence: frameshift variant. On other transcripts: non-coding transcript variant (1).
Genome position (GRCh38, 1-based): chr19:10,996,300, G deleted. VCF-style (leftmost placement, unchanged base first): chr19-10996299-CG-C. GRCh37 (hg19) VCF-style: chr19-11106975-CG-C.
Other names: c.1681del, p.Val561fs (NM_001128844.3, NM_001128845.2, NM_001128846.2 and 4 more transcripts); short protein forms V561fs.
Identifiers: ClinVar variation 855568 (VCV000855568.7), dbSNP rs2087033635, ClinGen allele CA916083659.

ClinVar aggregate classification (germline): Pathogenic (1 of 4 stars; one submission).

Conditions:
Rhabdoid tumor predisposition syndrome 2 (RTPS2). Identifiers: Orphanet 231108, Orphanet 69077, MedGen C2750074, MONDO:0013224, OMIM 613325.

Submission:

Labcorp Genetics (formerly Invitae), Labcorp
Classification: Pathogenic for Rhabdoid tumor predisposition syndrome 2. Last evaluated: 2019-03-08. Review status: criteria provided, single submitter. Criteria: Invitae Variant Classification Sherloc (09022015). Collection method: clinical testing. Allele origin: germline.
Comment: This sequence change creates a premature translational stop signal (p.Val561Trpfs*52) in the SMARCA4 gene. It is expected to result in an absent or disrupted protein product. This variant is not present in population databases (ExAC no frequency). This variant has not been reported in the literature in individuals with SMARCA4-related conditions. Loss-of-function variants in SMARCA4 are known to be pathogenic (PMID: 24658001, 24658002). For these reasons, this variant has been classified as Pathogenic.

Literature cited by the submitters: PubMed 24658001; PubMed 24658002.